The following is an entry in ClinVar:

NM_003737.4(DCHS1):c.8015G>A (p.Arg2672Gln)

Gene: DCHS1 (dachsous cadherin-related 1; minus strand). Cytogenetic location: 11p15.4.
Variant type: single nucleotide variant.
Coding change: c.8015G>A on transcript NM_003737.4 (MANE Select); coding-DNA position 8015, G replaced by A.
Protein change: p.Arg2672Gln; replaces arginine 2672 with glutamine.
Molecular consequence: missense variant.
Genome position (GRCh38, 1-based): chr11:6,623,661, C>T on the plus strand (G>A on the coding strand, the complement: DCHS1 is on the minus strand). VCF-style: chr11-6623661-C-T. GRCh37 (hg19) VCF-style: chr11-6644892-C-T.
Other names: short protein forms R2672Q.
Identifiers: ClinVar variation 1902907 (VCV001902907.5), dbSNP rs752415774, ClinGen allele CA5859498.

ClinVar aggregate classification (germline): Uncertain significance (1 of 4 stars; one submission).

Allele frequency attached by ClinVar (database versions not stated): gnomAD 0.00001; gnomAD exomes 0.00001; ExAC 0.00002; TOPMed 0.00005.

Submission:

Labcorp Genetics (formerly Invitae), Labcorp
Classification: Uncertain significance. Last evaluated: 2023-02-01. Review status: criteria provided, single submitter. Criteria: Invitae Variant Classification Sherloc (09022015). Collection method: clinical testing. Allele origin: germline.
Comment: This variant is present in population databases (rs752415774, gnomAD 0.03%). In summary, the available evidence is currently insufficient to determine the role of this variant in disease. Therefore, it has been classified as a Variant of Uncertain Significance. Advanced modeling of protein sequence and biophysical properties (such as structural, functional, and spatial information, amino acid conservation, physicochemical variation, residue mobility, and thermodynamic stability) performed at Invitae indicates that this missense variant is not expected to disrupt DCHS1 protein function. This variant has not been reported in the literature in individuals affected with DCHS1-related conditions. This sequence change replaces arginine, which is basic and polar, with glutamine, which is neutral and polar, at codon 2672 of the DCHS1 protein (p.Arg2672Gln).